The following is an entry in ClinVar:

ClinVar aggregate classification (germline): Uncertain significance (1 of 4 stars; one submission).

Submission:

Labcorp Genetics (formerly Invitae), Labcorp
Classification: Uncertain significance. Last evaluated: 2023-08-04. Review status: criteria provided, single submitter. Criteria: Invitae Variant Classification Sherloc (09022015). Collection method: clinical testing. Allele origin: germline.
Comment: Advanced modeling of protein sequence and biophysical properties (such as structural, functional, and spatial information, amino acid conservation, physicochemical variation, residue mobility, and thermodynamic stability) performed at Invitae indicates that this missense variant is expected to disrupt DHX37 protein function. In summary, the available evidence is currently insufficient to determine the role of this variant in disease. Therefore, it has been classified as a Variant of Uncertain Significance. This variant has not been reported in the literature in individuals affected with DHX37-related conditions. This variant is not present in population databases (gnomAD no frequency). This sequence change replaces lysine, which is basic and polar, with asparagine, which is neutral and polar, at codon 640 of the DHX37 protein (p.Lys640Asn).

NM_032656.4(DHX37):c.1920G>C (p.Lys640Asn)

Gene: DHX37 (DEAH-box helicase 37; minus strand). Cytogenetic location: 12q24.31.
Variant type: single nucleotide variant.
Coding change: c.1920G>C on transcript NM_032656.4 (MANE Select); coding-DNA position 1920, G replaced by C.
Protein change: p.Lys640Asn; replaces lysine 640 with asparagine.
Molecular consequence: missense variant.
Genome position (GRCh38, 1-based): chr12:124,964,519, C>G on the plus strand (G>C on the coding strand, the complement: DHX37 is on the minus strand). VCF-style: chr12-124964519-C-G. GRCh37 (hg19) VCF-style: chr12-125449065-C-G.
Other names: short protein forms K640N.
Identifiers: ClinVar variation 2750133 (VCV002750133.3), dbSNP rs372209508, ClinGen allele CA387224552.